The following is an entry in ClinVar:

ClinVar aggregate classification (germline): Uncertain significance (1 of 4 stars; one submission).

Allele frequency attached by ClinVar (database versions not stated): TOPMed 0.00001; ExAC 0.00002; gnomAD exomes 0.00002 and 0.00003.
gnomAD v4.1: 25 of 1,613,436 alleles (0.0015%); highest among the groups gnomAD compares: Non-Finnish European, 0.0021%; no homozygotes.

Submission:

Labcorp Genetics (formerly Invitae), Labcorp
Classification: Uncertain significance. Last evaluated: 2022-02-04. Review status: criteria provided, single submitter. Criteria: Invitae Variant Classification Sherloc (09022015). Collection method: clinical testing. Allele origin: germline.
Comment: In summary, the available evidence is currently insufficient to determine the role of this variant in disease. Therefore, it has been classified as a Variant of Uncertain Significance. Algorithms developed to predict the effect of sequence changes on RNA splicing suggest that this variant may create or strengthen a splice site. Algorithms developed to predict the effect of missense changes on protein structure and function are either unavailable or do not agree on the potential impact of this missense change (SIFT: "Deleterious"; PolyPhen-2: "Benign"; Align-GVGD: "Class C0"). This variant has not been reported in the literature in individuals affected with DYM-related conditions. This variant is present in population databases (rs770135743, gnomAD 0.008%). This sequence change replaces isoleucine, which is neutral and non-polar, with serine, which is neutral and polar, at codon 78 of the DYM protein (p.Ile78Ser).

NM_001353214.3(DYM):c.233T>G (p.Ile78Ser)

Gene: DYM (dymeclin; minus strand). Cytogenetic location: 18q21.1.
Variant type: single nucleotide variant.
Coding change: c.233T>G on transcript NM_001353214.3 (MANE Select); coding-DNA position 233, T replaced by G.
Protein change: p.Ile78Ser; replaces isoleucine 78 with serine.
Molecular consequence: missense variant. On other transcripts: intron variant (5).
Genome position (GRCh38, 1-based): chr18:49,379,719, A>C on the plus strand (T>G on the coding strand, the complement: DYM is on the minus strand). VCF-style: chr18-49379719-A-C. GRCh37 (hg19) VCF-style: chr18-46906089-A-C.
Other names: c.233T>G, p.Ile78Ser (NM_001353210.3, NM_001353213.3, NM_001353215.3 and 12 more transcripts); c.230T>G, p.Ile77Ser (NM_001353211.3, NM_001353212.3, NM_001374429.1 and 1 more transcripts); c.193+11874T>G (NM_001374443.1, NM_001374444.1, NM_001374442.1 and 2 more transcripts); short protein forms I77S, I78S.
Identifiers: ClinVar variation 1377059 (VCV001377059.8), dbSNP rs770135743, ClinGen allele CA8958452.